The following is an entry in ClinVar:

NM_004281.4(BAG3):c.61C>G (p.Pro21Ala)

Gene: BAG3 (BAG cochaperone 3; plus strand). Cytogenetic location: 10q26.11.
Variant type: single nucleotide variant.
Coding change: c.61C>G on transcript NM_004281.4 (MANE Select); coding-DNA position 61, C replaced by G.
Protein change: p.Pro21Ala; replaces proline 21 with alanine.
Molecular consequence: missense variant.
Genome position (GRCh38, 1-based): chr10:119,651,736, C>G. VCF-style: chr10-119651736-C-G. GRCh37 (hg19) VCF-style: chr10-121411248-C-G.
Other names: short protein forms P21A.
Identifiers: ClinVar variation 2193034 (VCV002193034.4), dbSNP rs1327618290, ClinGen allele CA378294091.

ClinVar aggregate classification (germline): Uncertain significance (1 of 4 stars; one submission).

Conditions:
Dilated cardiomyopathy 1HH (CMD1HH). Identifiers: Orphanet 154, MedGen C3151293, MONDO:0013479, OMIM 613881.
Myofibrillar myopathy 6. Identifiers: Orphanet 199340, MedGen C2751831, MONDO:0013061, OMIM 612954.

Allele frequency attached by ClinVar (database versions not stated): gnomAD exomes below 0.00001.
gnomAD v4.1: 1 of 1,599,362 alleles (0.000063%); highest among the groups gnomAD compares: Admixed American, 0.0017%; no homozygotes.

Submission:

Labcorp Genetics (formerly Invitae), Labcorp
Classification: Uncertain significance for Dilated cardiomyopathy 1HH; Myofibrillar myopathy 6. Last evaluated: 2023-09-30. Review status: criteria provided, single submitter. Criteria: Invitae Variant Classification Sherloc (09022015). Collection method: clinical testing. Allele origin: germline.
Comment: This sequence change replaces proline, which is neutral and non-polar, with alanine, which is neutral and non-polar, at codon 21 of the BAG3 protein (p.Pro21Ala). This variant is present in population databases (no rsID available, gnomAD 0.003%). This variant has not been reported in the literature in individuals affected with BAG3-related conditions. ClinVar contains an entry for this variant (Variation ID: 2193034). An algorithm developed to predict the effect of missense changes on protein structure and function (PolyPhen-2) suggests that this variant is likely to be disruptive. In summary, the available evidence is currently insufficient to determine the role of this variant in disease. Therefore, it has been classified as a Variant of Uncertain Significance.